The following is an entry in ClinVar:

ClinVar aggregate classification (germline): Uncertain significance (1 of 4 stars; one submission).

Conditions:
Inborn genetic diseases. Identifiers: MedGen C0950123, MeSH D030342.

Submission:

Ambry Genetics
Classification: Uncertain significance for Inborn genetic diseases. Last evaluated: 2025-06-13. Review status: criteria provided, single submitter. Criteria: Ambry Variant Classification Scheme 2023. Collection method: clinical testing. Allele origin: germline.
Comment: The c.644+5G>C intronic variant results from a G to C substitution 5 nucleotides after coding exon 7 in the DDX41 gene. This nucleotide position is highly conserved in available vertebrate species. In silico splice site analysis predicts that this alteration will weaken the native splice donor site; however, direct evidence is insufficient at this time (Ambry internal data). Based on the available evidence, the clinical significance of this variant remains unclear.

NM_016222.4(DDX41):c.644+5G>C

Gene: DDX41 (DEAD-box helicase 41; minus strand). Cytogenetic location: 5q35.3.
Variant type: single nucleotide variant.
Coding change: c.644+5G>C on transcript NM_016222.4 (MANE Select); 5 bases into the intron after coding-DNA position 644, G replaced by C.
Molecular consequence: intron variant.
Genome position (GRCh38, 1-based): chr5:177,515,181, C>G on the plus strand (G>C on the coding strand, the complement: DDX41 is on the minus strand). VCF-style: chr5-177515181-C-G. GRCh37 (hg19) VCF-style: chr5-176942182-C-G.
Other names: c.266+5G>C (NM_001321830.2, NM_001321732.2).
Identifiers: ClinVar variation 4010243 (VCV004010243.1).